The following is an entry in ClinVar:

NM_199242.3(UNC13D):c.1616A>G (p.Asp539Gly)

Gene: UNC13D (unc-13 homolog D; minus strand). Cytogenetic location: 17q25.1.
Variant type: single nucleotide variant.
Coding change: c.1616A>G on transcript NM_199242.3 (MANE Select); coding-DNA position 1616, A replaced by G.
Protein change: p.Asp539Gly; replaces aspartic acid 539 with glycine.
Molecular consequence: missense variant.
Genome position (GRCh38, 1-based): chr17:75,835,758, T>C on the plus strand (A>G on the coding strand, the complement: UNC13D is on the minus strand). VCF-style: chr17-75835758-T-C. GRCh37 (hg19) VCF-style: chr17-73831839-T-C.
Other names: short protein forms D539G.
Identifiers: ClinVar variation 1476427 (VCV001476427.5), dbSNP rs780794721, ClinGen allele CA8772870.

ClinVar aggregate classification (germline): Uncertain significance (1 of 4 stars; one submission).

Conditions:
Familial hemophagocytic lymphohistiocytosis 3 (FHL3). Also called: UNC13D-Related Familial Hemophagocytic Lymphohistiocytosis (UNC13D-fHLH). Identifiers: Orphanet 540, MedGen C1837174, MONDO:0012146, OMIM 608898.

Allele frequency attached by ClinVar (database versions not stated): ExAC 0.00001; gnomAD exomes 0.00001 and 0.00002.
gnomAD v4.1: 13 of 1,613,754 alleles (0.00081%); highest among the groups gnomAD compares: South Asian, 0.014%; no homozygotes.

Submission:

Labcorp Genetics (formerly Invitae), Labcorp
Classification: Uncertain significance for Familial hemophagocytic lymphohistiocytosis 3. Last evaluated: 2022-06-27. Review status: criteria provided, single submitter. Criteria: Invitae Variant Classification Sherloc (09022015). Collection method: clinical testing. Allele origin: germline.
Comment: This sequence change replaces aspartic acid, which is acidic and polar, with glycine, which is neutral and non-polar, at codon 539 of the UNC13D protein (p.Asp539Gly). This variant is present in population databases (rs780794721, gnomAD 0.02%). This variant has not been reported in the literature in individuals affected with UNC13D-related conditions. Algorithms developed to predict the effect of missense changes on protein structure and function are either unavailable or do not agree on the potential impact of this missense change (SIFT: "Not Available"; PolyPhen-2: "Benign"; Align-GVGD: "Not Available"). In summary, the available evidence is currently insufficient to determine the role of this variant in disease. Therefore, it has been classified as a Variant of Uncertain Significance.